The following is an entry in ClinVar:

NM_001368894.2(PAX6):c.866_867del (p.Arg289fs)

Gene: PAX6 (paired box 6; minus strand). Cytogenetic location: 11p13.
Variant type: Microsatellite.
Coding change: c.866_867del on transcript NM_001368894.2 (MANE Select); coding-DNA positions 866 to 867, 2 bases deleted (GA; older notation c.866_867delGA).
Protein change: p.Arg289fs; shifts the reading frame from arginine 289.
Molecular consequence: frameshift variant. On other transcripts: non-coding transcript variant (2).
Genome position (GRCh38, 1-based): chr11:31,793,743-31,793,744, TC deleted on the plus strand (GA on the coding strand, the reverse complement: PAX6 is on the minus strand); deleting any 2 consecutive bases within chr11:31,793,743-31,793,747 gives the same sequence; the c. name uses the placement nearest the transcript's 3' end. VCF-style (leftmost placement, unchanged base first): chr11-31793742-TTC-T. GRCh37 (hg19) VCF-style: chr11-31815290-TTC-T.
Other names: c.824_825del, p.Arg275fs (NM_000280.6, NM_001127612.3, NM_001258464.2 and 10 more transcripts); c.866_867del, p.Arg289fs (NM_001258462.3, NM_001258463.2, NM_001310158.2 and 6 more transcripts); c.416_417del, p.Arg139fs (NM_001310160.2, NM_001310161.3, NM_001368899.2 and 11 more transcripts); c.1067_1068del, p.Arg356fs (NM_001368910.2); c.869_870del, p.Arg290fs (NM_001368911.2); c.941_942del, p.Arg314fs (NM_001368918.2, NM_001368919.2); c.899_900del, p.Arg300fs (NM_001368920.2); c.665_666del, p.Arg222fs (NM_001368921.2, NM_001368922.2, NM_001368923.2 and 4 more transcripts); and 2 more; short protein forms R222fs, R300fs, R275fs, R314fs, R74fs, R139fs, R208fs, R290fs.
Identifiers: ClinVar variation 817598 (VCV000817598.2), dbSNP rs1592415625, ClinGen allele CA915948040.
Genomic context (GRCh38, chr11:31,793,742, plus strand): 5'-AGACACTGGTGCTGAAACTACTGCTGATAGGAATATGACTAGGTGTGTTGCTGGCCTGTC[TTC>T]TCTGATTCCTCAGTTTTTCTTCTCTTCTCCATTTGGCCCTTCGATTAGAAAACCATACCT-3'

ClinVar aggregate classification (germline): Pathogenic (1 of 4 stars; one submission).

Submission:

GeneDx
Classification: Pathogenic. Last evaluated: 2018-09-19. Review status: criteria provided, single submitter. Criteria: GeneDx Variant Classification (06012015). Collection method: clinical testing. Allele origin: germline. Affected: yes.
Comment: The c.824_825delGA pathogenic variant in the PAX6 gene causes a frameshift starting with codon Arginine 275, changes this amino acid to a Lysine residue and creates a premature Stop codon at position 8 of the new reading frame, denoted p.Arg275LysfsX8. This pathogenic variant is predicted to cause loss of normal protein function either through protein truncation or nonsense-mediated mRNA decay. The variant is not observed in large population cohorts (Lek et al., 2016). Although this pathogenic variant has not been previously reported to our knowledge, its presence is consistent with the diagnosis of aniridia.